The following is an entry in ClinVar:

NM_016013.4(NDUFAF1):c.268G>A (p.Ala90Thr)

Gene: NDUFAF1 (NADH:ubiquinone oxidoreductase complex assembly factor 1; minus strand). Cytogenetic location: 15q15.1.
Variant type: single nucleotide variant.
Coding change: c.268G>A on transcript NM_016013.4 (MANE Select); coding-DNA position 268, G replaced by A.
Protein change: p.Ala90Thr; replaces alanine 90 with threonine.
Molecular consequence: missense variant. On other transcripts: non-coding transcript variant (1).
Genome position (GRCh38, 1-based): chr15:41,396,792, C>T on the plus strand (G>A on the coding strand, the complement: NDUFAF1 is on the minus strand). VCF-style: chr15-41396792-C-T. GRCh37 (hg19) VCF-style: chr15-41688990-C-T.
Other names: c.268G>A (NM_016013.2); short protein forms A90T.
Identifiers: ClinVar variation 2198778 (VCV002198778.3), dbSNP rs752674025, ClinGen allele CA7491367.
Genomic context (GRCh38, chr15:41,396,792, plus strand): 5'-CTTCCGGTCCTCTCCAATGATCCACAATTTCATCCTTCAAAAGCCTAAAATGGTATATTG[C>T]TTCATCTCTAATTGCTTTATCGAAACTAACATCAGGCTTCTCCTCAGAAGAAGTTATATC-3'
Protein context (NP_057097.2, residues 80-100): VSFDKAIRDE[Ala90Thr]IYHFRLLKDE

ClinVar aggregate classification (germline): Uncertain significance. Review status: criteria provided, multiple submitters, no conflicts (2 of 4 stars). 2 submissions from 2 submitters: Uncertain significance (2). Last evaluated 2025-08-12.

Allele frequency attached by ClinVar (database versions not stated): gnomAD 0.00001; gnomAD exomes 0.00001; ExAC 0.00002.
gnomAD v4.1: 15 of 1,614,004 alleles (0.00093%); highest among the groups gnomAD compares: South Asian, 0.0044%; no homozygotes.

Submissions (2):

Ambry Genetics
Classification: Uncertain significance. Last evaluated: 2025-08-12. Review status: criteria provided, single submitter. Criteria: Ambry Variant Classification Scheme 2023. Collection method: clinical testing. Allele origin: germline.

Labcorp Genetics (formerly Invitae), Labcorp
Classification: Uncertain significance. Last evaluated: 2021-09-24. Review status: criteria provided, single submitter. Criteria: Invitae Variant Classification Sherloc (09022015). Collection method: clinical testing. Allele origin: germline.
Comment: This sequence change replaces alanine with threonine at codon 90 of the NDUFAF1 protein (p.Ala90Thr). The alanine residue is weakly conserved and there is a small physicochemical difference between alanine and threonine. This variant is present in population databases (rs752674025, ExAC 0.01%). This variant has not been reported in the literature in individuals affected with NDUFAF1-related conditions. Algorithms developed to predict the effect of missense changes on protein structure and function (SIFT, PolyPhen-2, Align-GVGD) all suggest that this variant is likely to be tolerated. In summary, the available evidence is currently insufficient to determine the role of this variant in disease. Therefore, it has been classified as a Variant of Uncertain Significance.